The following is an entry in ClinVar:

ClinVar aggregate classification (germline): Likely pathogenic (1 of 4 stars; one submission).

Conditions:
Cerebral arteriopathy, autosomal dominant, with subcortical infarcts and leukoencephalopathy, type 1 (CADASIL1). Also called: DEMENTIA, HEREDITARY MULTIINFARCT TYPE; CADASIL 1; CASIL; Cerebral arteriopathy with subcortical infarcts and leukoencephalopathy 1. Identifiers: Orphanet 136, MedGen C4551768, MONDO:0000914, OMIM 125310.

Submission:

MGZ Medical Genetics Center
Classification: Likely pathogenic for Cerebral arteriopathy, autosomal dominant, with subcortical infarcts and leukoencephalopathy, type 1. Last evaluated: 2022-01-12. Review status: criteria provided, single submitter. Criteria: ACMG Guidelines, 2015. Collection method: clinical testing. Allele origin: germline. Affected: yes. Observed: 1 variant allele.
Comment: ACMG criteria applied: PM1_STR, PS4_SUP, PM2_SUP, PP3

NM_000435.3(NOTCH3):c.2815T>C (p.Cys939Arg)

Gene: NOTCH3 (notch receptor 3; minus strand). Cytogenetic location: 19p13.12.
Variant type: single nucleotide variant.
Coding change: c.2815T>C on transcript NM_000435.3 (MANE Select); coding-DNA position 2815, T replaced by C.
Protein change: p.Cys939Arg; replaces cysteine 939 with arginine.
Molecular consequence: missense variant.
Genome position (GRCh38, 1-based): chr19:15,181,140, A>G on the plus strand (T>C on the coding strand, the complement: NOTCH3 is on the minus strand). VCF-style: chr19-15181140-A-G. GRCh37 (hg19) VCF-style: chr19-15291951-A-G.
Other names: short protein forms C939R.
Identifiers: ClinVar variation 1709076 (VCV001709076.2), dbSNP rs2046837806, ClinGen allele CA404516195.